The following is an entry in ClinVar:

NM_001267550.2(TTN):c.88646A>G (p.Glu29549Gly)

Genes: TTN (titin; minus strand), TTN-AS1 (TTN antisense RNA 1; plus strand). Cytogenetic location: 2q31.2.
Variant type: single nucleotide variant.
Coding change: c.88646A>G on transcript NM_001267550.2 (MANE Select); coding-DNA position 88646, A replaced by G.
Protein change: p.Glu29549Gly; replaces glutamic acid 29549 with glycine.
Molecular consequence: missense variant.
Genome position (GRCh38, 1-based): chr2:178,554,701, T>C on the plus strand (A>G on the coding strand, the complement: TTN is on the minus strand). VCF-style: chr2-178554701-T-C. GRCh37 (hg19) VCF-style: chr2-179419428-T-C.
Other names: c.83723A>G, p.Glu27908Gly (NM_001256850.1); c.61451A>G, p.Glu20484Gly (NM_003319.4); c.80942A>G, p.Glu26981Gly (NM_133378.4); c.61826A>G, p.Glu20609Gly (NM_133432.3); c.62027A>G, p.Glu20676Gly (NM_133437.4); short protein forms E20484G, E20676G, E27908G, E26981G, E29549G, E20609G.
Identifiers: ClinVar variation 1751850 (VCV001751850.2), dbSNP rs779704459, ClinGen allele CA1988112.

ClinVar aggregate classification (germline): Uncertain significance (1 of 4 stars; one submission).

Conditions:
Cardiovascular phenotype. Identifiers: MedGen CN230736.

Allele frequency attached by ClinVar (database versions not stated): ExAC 0.00001; gnomAD exomes 0.00001; TOPMed 0.00001; gnomAD 0.00002.
gnomAD v4.1: 10 of 1,613,776 alleles (0.00062%); highest among the groups gnomAD compares: African/African-American, 0.004%; no homozygotes.

Submission:

Ambry Genetics
Classification: Uncertain significance for Cardiovascular phenotype. Last evaluated: 2020-03-31. Review status: criteria provided, single submitter. Criteria: Ambry Variant Classification Scheme 2023. Collection method: clinical testing. Allele origin: germline.
Comment: The p.E20484G variant (also known as c.61451A>G), located in coding exon 159 of the TTN gene, results from an A to G substitution at nucleotide position 61451. The glutamic acid at codon 20484 is replaced by glycine, an amino acid with similar properties. This amino acid position is not well conserved in available vertebrate species. In addition, this alteration is predicted to be tolerated by in silico analysis. Since supporting evidence is limited at this time, the clinical significance of this alteration remains unclear.